The following is an entry in ClinVar:

ClinVar aggregate classification (germline): Uncertain significance (1 of 4 stars; one submission).

Conditions:
Ehlers-Danlos syndrome, musculocontractural type 2 (EDSMC2). Identifiers: Orphanet 2953, MedGen C3809845, MONDO:0014236, OMIM 615539.

Submission:

Labcorp Genetics (formerly Invitae), Labcorp
Classification: Uncertain significance for Ehlers-Danlos syndrome, musculocontractural type 2. Last evaluated: 2023-07-26. Review status: criteria provided, single submitter. Criteria: Invitae Variant Classification Sherloc (09022015). Collection method: clinical testing. Allele origin: germline.
Comment: In summary, the available evidence is currently insufficient to determine the role of this variant in disease. Therefore, it has been classified as a Variant of Uncertain Significance. An algorithm developed to predict the effect of missense changes on protein structure and function (PolyPhen-2) suggests that this variant is likely to be tolerated. This variant has not been reported in the literature in individuals affected with DSE-related conditions. This variant is not present in population databases (gnomAD no frequency). This sequence change replaces valine, which is neutral and non-polar, with phenylalanine, which is neutral and non-polar, at codon 938 of the DSE protein (p.Val938Phe).

NM_013352.4(DSE):c.2812G>T (p.Val938Phe)

Gene: DSE (dermatan sulfate epimerase; plus strand). Cytogenetic location: 6q22.1.
Variant type: single nucleotide variant.
Coding change: c.2812G>T on transcript NM_013352.4 (MANE Select); coding-DNA position 2812, G replaced by T.
Protein change: p.Val938Phe; replaces valine 938 with phenylalanine.
Molecular consequence: missense variant. On other transcripts: 3 prime UTR variant (2), non-coding transcript variant (1).
Genome position (GRCh38, 1-based): chr6:116,437,280, G>T. VCF-style: chr6-116437280-G-T. GRCh37 (hg19) VCF-style: chr6-116758443-G-T.
Other names: c.2812G>T, p.Val938Phe (NM_001080976.3, NM_001322937.2, NM_001322938.2); c.2869G>T, p.Val957Phe (NM_001322939.2); c.2251G>T, p.Val751Phe (NM_001322940.2, NM_001322941.2); c.*1677G>T (NM_001322943.2, NM_001322944.2); c.1813G>T, p.Val605Phe (NM_001374520.1); c.1777G>T, p.Val593Phe (NM_001374521.1); short protein forms V593F, V938F, V957F, V605F, V751F.
Identifiers: ClinVar variation 2785619 (VCV002785619.3), dbSNP rs760945750, ClinGen allele CA365409998.